The following is an entry in ClinVar:

NM_014920.5(CILK1):c.1525C>T (p.Pro509Ser)

Gene: CILK1 (ciliogenesis associated kinase 1; minus strand). Cytogenetic location: 6p12.1.
Variant type: single nucleotide variant.
Coding change: c.1525C>T on transcript NM_014920.5 (MANE Select); coding-DNA position 1525, C replaced by T.
Protein change: p.Pro509Ser; replaces proline 509 with serine.
Molecular consequence: missense variant. On other transcripts: non-coding transcript variant (1).
Genome position (GRCh38, 1-based): chr6:53,009,535, G>A on the plus strand (C>T on the coding strand, the complement: CILK1 is on the minus strand). VCF-style: chr6-53009535-G-A. GRCh37 (hg19) VCF-style: chr6-52874333-G-A.
Other names: c.1546C>T, p.Pro516Ser (NM_001375397.1); c.1525C>T, p.Pro509Ser (NM_001375398.1, NM_001375399.1, NM_001375400.1 and 3 more transcripts); c.1525C>T (NM_016513.4); short protein forms P509S, P516S.
Identifiers: ClinVar variation 1680537 (VCV001680537.14), dbSNP rs141663565, ClinGen allele CA3858519.
Genomic context (GRCh38, chr6:53,009,535, plus strand): 5'-AAGATTTTCCAGACAAGCCAGAACTAGACCATGGATTAGGTGGAATAAATTCCTTGCCTG[G>A]ATTCGAGAGTATGCCATTTCTTATACTGATCCCTGATAGAGAAGAAATGATTTTAAAATG-3'
Protein context (NP_055735.1, residues 499-519): ISIRNGILSN[Pro509Ser]GKEFIPPNPW

ClinVar aggregate classification (germline): Benign/Likely benign. Review status: criteria provided, multiple submitters, no conflicts (2 of 4 stars). 5 submissions from 5 submitters: Benign (1); Likely benign (3). 1 of the submissions does not count toward it. Last evaluated 2025-12-10.

Conditions:
CILK1-related disorder. Also called: CILK1-related condition.

Allele frequency attached by ClinVar (database versions not stated): gnomAD exomes 0.00039; ExAC 0.00042; 1000 Genomes Project 0.00140; ESP Exome Variant Server 0.00161; gnomAD 0.00179 and 0.00186; 1000 Genomes Project 30x 0.00187; TOPMed 0.00200.
gnomAD v4.1: 490 of 1,611,524 alleles (0.03%); highest among the groups gnomAD compares: African/African-American, 0.57%; 3 homozygotes.

Submissions (5):

Labcorp Genetics (formerly Invitae), Labcorp
Classification: Benign. Last evaluated: 2025-12-10. Review status: criteria provided, single submitter. Criteria: Invitae Variant Classification Sherloc (09022015). Collection method: clinical testing. Allele origin: germline.

Women's Health and Genetics/Laboratory Corporation of America, LabCorp
Classification: Likely benign. Last evaluated: 2025-07-03. Review status: criteria provided, single submitter. Criteria: LabCorp Variant Classification Summary - May 2015. Collection method: clinical testing. Allele origin: germline.
Comment: Variant summary: CILK1 c.1525C>T (p.Pro509Ser) results in a non-conservative amino acid change in the encoded protein sequence. Algorithms developed to predict the effect of missense changes on protein structure and function are either unavailable or do not agree on the potential impact of this missense change. The variant allele was found at a frequency of 0.0003 in 1611524 control chromosomes, predominantly at a frequency of 0.0057 within the African or African-American subpopulation in the gnomAD database (v4), including 3 homozygotes. The observed variant frequency within African or African-American control individuals in the gnomAD database exceeds the estimated maximal expected allele frequency for a pathogenic variant in CILK1 causing CILK1-Related Disorders phenotype. To our knowledge, no occurrence of c.1525C>T in individuals affected with CILK1-Related Disorders and no experimental evidence demonstrating its impact on protein function have been reported. ClinVar contains an entry for this variant (Variation ID: 1680537). Based on the evidence outlined above, the variant was classified as likely benign.

Blueprint Genetics
Classification: Likely benign. Last evaluated: 2024-02-15. Review status: criteria provided, single submitter. Criteria: ACMG Guidelines, 2015. Collection method: clinical testing. Allele origin: germline.

Ambry Genetics
Classification: Likely benign. Last evaluated: 2021-07-20. Review status: criteria provided, single submitter. Criteria: Ambry Variant Classification Scheme 2023. Collection method: clinical testing. Allele origin: germline.

PreventionGenetics, part of Exact Sciences
Classification: Likely benign for CILK1-related condition. Last evaluated: 2021-11-01. Review status: no assertion criteria provided. Collection method: clinical testing. Allele origin: germline. Not counted in ClinVar's aggregate classification.
Comment: This variant is classified as likely benign based on ACMG/AMP sequence variant interpretation guidelines (Richards et al. 2015 PMID: 25741868, with internal and published modifications).